The following is an entry in ClinVar:

ClinVar aggregate classification (germline): Uncertain significance (1 of 4 stars; one submission).

Conditions:
Cardiovascular phenotype. Identifiers: MedGen CN230736.

Submission:

Ambry Genetics
Classification: Uncertain significance for Cardiovascular phenotype. Last evaluated: 2021-03-18. Review status: criteria provided, single submitter. Criteria: Ambry Variant Classification Scheme 2023. Collection method: clinical testing. Allele origin: germline.
Comment: The p.Q3770K variant (also known as c.11308C>A), located in coding exon 42 of the ANK2 gene, results from a C to A substitution at nucleotide position 11308. The glutamine at codon 3770 is replaced by lysine, an amino acid with similar properties. This amino acid position is well conserved in available vertebrate species; however, lysine is the reference amino acid in other vertebrate species. In addition, the in silico prediction for this alteration is inconclusive. Since supporting evidence is limited at this time, the clinical significance of this alteration remains unclear.

NM_001148.6(ANK2):c.11308C>A (p.Gln3770Lys)

Gene: ANK2 (ankyrin 2; plus strand). Cytogenetic location: 4q26.
Variant type: single nucleotide variant.
Coding change: c.11308C>A on transcript NM_001148.6 (MANE Select); coding-DNA position 11308, C replaced by A.
Protein change: p.Gln3770Lys; replaces glutamine 3770 with lysine.
Molecular consequence: missense variant.
Genome position (GRCh38, 1-based): chr4:113,367,841, C>A. VCF-style: chr4-113367841-C-A. GRCh37 (hg19) VCF-style: chr4-114288997-C-A.
Other names: c.5050C>A, p.Gln1684Lys (NM_001354265.2, NM_001354235.2, NM_001354246.2); c.4867C>A, p.Gln1623Lys (NM_001354266.2, NM_001354267.2, NM_001386162.1 and 2 more transcripts); c.4912C>A, p.Gln1638Lys (NM_001354261.2); c.4891C>A, p.Gln1631Lys (NM_001354262.2, NM_001354245.2, NM_001354275.2); c.4888C>A, p.Gln1630Lys (NM_001354264.2); c.4834C>A, p.Gln1612Lys (NM_001386146.1, NM_001386149.1, NM_001386150.1 and 1 more transcripts); c.4879C>A, p.Gln1627Lys (NM_001386147.1); c.5038C>A, p.Gln1680Lys (NM_001386148.2, NM_001386186.2); and 35 more; short protein forms Q1614K, Q1642K, Q1663K, Q1685K, Q1697K, Q1700K, Q1711K, Q873K.
Identifiers: ClinVar variation 1728105 (VCV001728105.2), dbSNP rs2507415539, ClinGen allele CA357942424.